The following is an entry in ClinVar:

ClinVar aggregate classification (germline): Uncertain significance. Review status: criteria provided, multiple submitters, no conflicts (2 of 4 stars). 2 submissions from 2 submitters: Uncertain significance (2). Last evaluated 2025-08-30.

Conditions:
Inborn genetic diseases. Identifiers: MedGen C0950123, MeSH D030342.

Submissions (2):

Ambry Genetics
Classification: Uncertain significance for Inborn genetic diseases. Last evaluated: 2025-08-30. Review status: criteria provided, single submitter. Criteria: Ambry Variant Classification Scheme 2023. Collection method: clinical testing. Allele origin: germline.

GeneDx
Classification: Uncertain significance. Last evaluated: 2022-12-16. Review status: criteria provided, single submitter. Criteria: GeneDx Variant Classification Process June 2021. Collection method: clinical testing. Allele origin: germline. Affected: yes.
Comment: Not observed at significant frequency in large population cohorts (gnomAD); In silico analysis supports that this missense variant has a deleterious effect on protein structure/function; Has not been previously published as pathogenic or benign to our knowledge

NM_015107.3(PHF8):c.2993G>A (p.Arg998His)

Gene: PHF8 (PHD finger protein 8; minus strand). Cytogenetic location: Xp11.22.
Variant type: single nucleotide variant.
Coding change: c.2993G>A on transcript NM_015107.3 (MANE Select); coding-DNA position 2993, G replaced by A.
Protein change: p.Arg998His; replaces arginine 998 with histidine.
Molecular consequence: missense variant.
Genome position (GRCh38, 1-based): chrX:53,939,240, C>T on the plus strand (G>A on the coding strand, the complement: PHF8 is on the minus strand). VCF-style: chrX-53939240-C-T. GRCh37 (hg19) VCF-style: chrX-53965673-C-T.
Other names: c.3101G>A, p.Arg1034His (NM_001184896.1); c.2690G>A, p.Arg897His (NM_001184897.2); short protein forms R1034H, R897H, R998H.
Identifiers: ClinVar variation 1804418 (VCV001804418.2), dbSNP rs2519306609, ClinGen allele CA413240573.